The following is an entry in ClinVar:

NM_022455.5(NSD1):c.4497+1G>T

Gene: NSD1 (nuclear receptor binding SET domain protein 1; plus strand). Cytogenetic location: 5q35.3.
Variant type: single nucleotide variant.
Coding change: c.4497+1G>T on transcript NM_022455.5 (MANE Select); the canonical splice donor site of the intron after coding-DNA position 4497, G replaced by T.
Molecular consequence: splice donor variant.
Genome position (GRCh38, 1-based): chr5:177,246,797, G>T. VCF-style: chr5-177246797-G-T. GRCh37 (hg19) VCF-style: chr5-176673798-G-T.
Other names: c.4497+1G>T (NM_001409301.1, NM_001409302.1, NM_001409303.1); c.4077+1G>T (NM_001409304.1); c.3744+1G>T (NM_001409305.1); c.3624+1G>T (NM_001409306.1, NM_001409308.1, NM_001409307.1 and 3 more transcripts).
Identifiers: ClinVar variation 4795183 (VCV004795183.1).

ClinVar aggregate classification (germline): Likely pathogenic (1 of 4 stars; one submission).

Conditions:
Sotos syndrome (SOTOS). Also called: CHROMOSOME 5q35 DELETION SYNDROME; CEREBRAL GIGANTISM; Sotos' syndrome; Distinctive facial appearance, overgrowth in childhood, and learning disabilities or delayed development; SOTOS SYNDROME 1. Identifiers: Orphanet 821, MedGen C0175695, MONDO:0019349, OMIM 117550.

Submission:

Laboratorio de Biologia Molecular/Medicina Genomica - IFF/Fiocruz, Instituto Fernandes Figueira, Fundacao Oswaldo Cruz
Classification: Likely pathogenic for Sotos syndrome. Last evaluated: 2025-09-02. Review status: criteria provided, single submitter. Criteria: ACMG Guidelines, 2015. Collection method: clinical testing. Allele origin: germline. Affected: yes. Observed: 1 variant allele.
Comment: Variant: c.4497+1G>T in intron 10 of the NSD1 gene. Protein effect: Splicing donor substitution in a highly conserved residue. In silico tools: predict altered mRNA splicing due to loss of the splice donor site. Population database (gnomAD): Absent. ACMG/AMP criteria applied: PVS1, PM2_Supporting, PP4